The following is an entry in ClinVar:

NM_005994.4(TBX2):c.1054GAG[1] (p.Glu353del)

Gene: TBX2 (T-box transcription factor 2; plus strand). Cytogenetic location: 17q23.2.
Variant type: Microsatellite.
Coding change: c.1054GAG[1] on transcript NM_005994.4 (MANE Select); one copy of the 3-base unit GAG starting at c.1054; the reference has two copies in a row; one copy, 3 bases deleted.
Protein change: p.Glu353del; deletes glutamic acid 353.
Genome position (GRCh38, 1-based): chr17:61,405,207-61,405,209, GAG deleted; deleting any 3 consecutive bases within chr17:61,405,204-61,405,209 gives the same sequence; the position shown is the placement nearest the transcript's 3' end. VCF-style (leftmost placement, unchanged base first): chr17-61405203-TGAG-T. GRCh37 (hg19) VCF-style: chr17-59482564-TGAG-T.
Other names: short protein forms E353del.
Identifiers: ClinVar variation 3054556 (VCV003054556.2), dbSNP rs768037601, ClinGen allele CA8689318.
Genomic context (GRCh38, chr17:61,405,203, plus strand): 5'-TGATCCTGCTCGTCGGCCTCCGCCCAGGCCCCTGTAATCCGCGCGCCCTCTCCCCGCAGC[TGAG>T]GAGAAGTCGTGCGCCGCGGACAGCGACCCGGAGCCTGAGCGGTTGAGCGAGGAGCGTGCG-3'

ClinVar aggregate classification (germline): Likely benign (0 of 4 stars; one submission).

Conditions:
TBX2-related disorder. Also called: TBX2-related condition.

Submission:

PreventionGenetics, part of Exact Sciences
Classification: Likely benign for TBX2-related condition. Last evaluated: 2022-04-15. Review status: no assertion criteria provided. Collection method: clinical testing. Allele origin: germline.
Comment: This variant is classified as likely benign based on ACMG/AMP sequence variant interpretation guidelines (Richards et al. 2015 PMID: 25741868, with internal and published modifications).